The following is an entry in ClinVar:

NM_000038.6(APC):c.8360A>G (p.Asn2787Ser)

Gene: APC (APC regulator of Wnt signaling pathway; plus strand). Cytogenetic location: 5q22.2.
Variant type: single nucleotide variant.
Coding change: c.8360A>G on transcript NM_000038.6 (MANE Select); coding-DNA position 8360, A replaced by G.
Protein change: p.Asn2787Ser; replaces asparagine 2787 with serine.
Molecular consequence: missense variant.
Genome position (GRCh38, 1-based): chr5:112,843,954, A>G. VCF-style: chr5-112843954-A-G. GRCh37 (hg19) VCF-style: chr5-112179651-A-G.
Other names: c.8360A>G, p.Asn2787Ser (NM_001127510.3, NM_001354895.2); c.8306A>G, p.Asn2769Ser (NM_001127511.3); c.8414A>G, p.Asn2805Ser (NM_001354896.2); c.8390A>G, p.Asn2797Ser (NM_001354897.2); c.8285A>G, p.Asn2762Ser (NM_001354898.2); c.8276A>G, p.Asn2759Ser (NM_001354899.2); c.8237A>G, p.Asn2746Ser (NM_001354900.2); c.8183A>G, p.Asn2728Ser (NM_001354901.2); and 5 more; short protein forms N2769S, N2787S, N2627S, N2686S, N2762S, N2805S, N2728S, N2797S.
Identifiers: ClinVar variation 579087 (VCV000579087.16), dbSNP rs1561622555, ClinGen allele CA16039473.

ClinVar aggregate classification (germline): Uncertain significance. Review status: criteria provided, multiple submitters, no conflicts (2 of 4 stars). 3 submissions from 3 submitters: Uncertain significance (3). Last evaluated 2024-04-11.

Conditions:
Hereditary cancer-predisposing syndrome. Also called: Neoplastic Syndromes, Hereditary; Tumor predisposition; Hereditary neoplastic syndrome; Hereditary Cancer Syndrome. Identifiers: Orphanet 140162, MedGen C0027672, MeSH D009386, MONDO:0015356.
Familial adenomatous polyposis 1 (FAP1). Also called: FAMILIAL ADENOMATOUS POLYPOSIS 1, ATTENUATED; POLYPOSIS, ADENOMATOUS INTESTINAL. Identifiers: MedGen C2713442, MONDO:0021056, OMIM 175100. Disease mechanism: loss of function.

Allele frequency attached by ClinVar (database versions not stated): gnomAD exomes below 0.00001.
gnomAD v4.1: 1 of 1,607,370 alleles (0.000062%); highest among the groups gnomAD compares: Non-Finnish European, 0.000085%; no homozygotes.

Submissions (3):

Labcorp Genetics (formerly Invitae), Labcorp
Classification: Uncertain significance for Familial adenomatous polyposis 1. Last evaluated: 2024-04-11. Review status: criteria provided, single submitter. Criteria: Invitae Variant Classification Sherloc (09022015). Collection method: clinical testing. Allele origin: germline.
Comment: This sequence change replaces asparagine, which is neutral and polar, with serine, which is neutral and polar, at codon 2787 of the APC protein (p.Asn2787Ser). This variant is not present in population databases (gnomAD no frequency). This variant has not been reported in the literature in individuals affected with APC-related conditions. ClinVar contains an entry for this variant (Variation ID: 579087). Advanced modeling of protein sequence and biophysical properties (such as structural, functional, and spatial information, amino acid conservation, physicochemical variation, residue mobility, and thermodynamic stability) performed at Invitae indicates that this missense variant is not expected to disrupt APC protein function with a negative predictive value of 95%. Algorithms developed to predict the effect of sequence changes on RNA splicing suggest that this variant may create or strengthen a splice site. In summary, the available evidence is currently insufficient to determine the role of this variant in disease. Therefore, it has been classified as a Variant of Uncertain Significance.

Color Diagnostics, LLC DBA Color Health
Classification: Uncertain significance for Hereditary cancer-predisposing syndrome. Last evaluated: 2024-03-06. Review status: criteria provided, single submitter. Criteria: ACMG Guidelines, 2015. Collection method: clinical testing. Allele origin: germline.
Comment: This missense variant replaces asparagine with serine at codon 2787 of the APC protein. Computational prediction is inconclusive regarding the impact of this variant on protein structure and function (internally defined REVEL score threshold 0.5 < inconclusive < 0.7, PMID: 27666373). To our knowledge, functional studies have not been reported for this variant. This variant has not been reported in individuals affected with hereditary cancer in the literature. This variant has not been identified in the general population by the Genome Aggregation Database (gnomAD). The available evidence is insufficient to determine the role of this variant in disease conclusively. Therefore, this variant is classified as a Variant of Uncertain Significance.

Ambry Genetics
Classification: Uncertain significance for Hereditary cancer-predisposing syndrome. Last evaluated: 2022-05-25. Review status: criteria provided, single submitter. Criteria: Ambry Variant Classification Scheme 2023. Collection method: clinical testing. Allele origin: germline.
Comment: The p.N2787S variant (also known as c.8360A>G), located in coding exon 15 of the APC gene, results from an A to G substitution at nucleotide position 8360. The asparagine at codon 2787 is replaced by serine, an amino acid with highly similar properties. This amino acid position is well conserved in available vertebrate species. In addition, in silico predictors for this gene do not accurately predict pathogenicity. Since supporting evidence is limited at this time, the clinical significance of this alteration remains unclear.